The following is an entry in ClinVar:

NM_001035.3(RYR2):c.4766A>G (p.Gln1589Arg)

Gene: RYR2 (ryanodine receptor 2; plus strand). Cytogenetic location: 1q43.
Variant type: single nucleotide variant.
Coding change: c.4766A>G on transcript NM_001035.3 (MANE Select); coding-DNA position 4766, A replaced by G.
Protein change: p.Gln1589Arg; replaces glutamine 1589 with arginine.
Molecular consequence: missense variant.
Genome position (GRCh38, 1-based): chr1:237,610,844, A>G. VCF-style: chr1-237610844-A-G. GRCh37 (hg19) VCF-style: chr1-237774144-A-G.
Other names: short protein forms Q1589R.
Identifiers: ClinVar variation 2187087 (VCV002187087.4), dbSNP rs2546766597, ClinGen allele CA345402460.
Genomic context (GRCh38, chr1:237,610,844, plus strand): 5'-GATTATTCAAGAGTGAGCACAAGAACCCCGTGCCGCAGTGCCCCCCGCGCCTCCACGTGC[A>G]GTTCCTGTCACACGTCCTGTGGAGCAGAATGCCCAACCAGTTTTTGAAGGTAGATGTGTC-3'
Protein context (NP_001026.2, residues 1579-1599): VPQCPPRLHV[Gln1589Arg]FLSHVLWSRM

ClinVar aggregate classification (germline): Uncertain significance (1 of 4 stars; one submission).

Conditions:
Catecholaminergic polymorphic ventricular tachycardia 1. Also called: VENTRICULAR TACHYCARDIA, CATECHOLAMINERGIC POLYMORPHIC, 1, WITH OR WITHOUT ATRIAL DYSFUNCTION AND/OR DILATED CARDIOMYOPATHY; RYR2-Related Catecholaminergic Polymorphic Ventricular Tachycardia; VENTRICULAR TACHYCARDIA, STRESS-INDUCED POLYMORPHIC 1. Identifiers: Orphanet 3286, MedGen C1631597, MONDO:0011484, OMIM 604772.

gnomAD v4.1: 2 of 1,613,338 alleles (0.00012%); highest among the groups gnomAD compares: Non-Finnish European, 0.00017%; no homozygotes.

Submission:

Labcorp Genetics (formerly Invitae), Labcorp
Classification: Uncertain significance for Catecholaminergic polymorphic ventricular tachycardia 1. Last evaluated: 2022-04-28. Review status: criteria provided, single submitter. Criteria: Invitae Variant Classification Sherloc (09022015). Collection method: clinical testing. Allele origin: germline.
Comment: In summary, the available evidence is currently insufficient to determine the role of this variant in disease. Therefore, it has been classified as a Variant of Uncertain Significance. Advanced modeling of protein sequence and biophysical properties (such as structural, functional, and spatial information, amino acid conservation, physicochemical variation, residue mobility, and thermodynamic stability) performed at Invitae indicates that this missense variant is expected to disrupt RYR2 protein function. This variant has not been reported in the literature in individuals affected with RYR2-related conditions. This variant is not present in population databases (gnomAD no frequency). This sequence change replaces glutamine, which is neutral and polar, with arginine, which is basic and polar, at codon 1589 of the RYR2 protein (p.Gln1589Arg).